The following is an entry in ClinVar:

ClinVar aggregate classification (germline): Likely pathogenic (1 of 4 stars; one submission).

Conditions:
MYO6-related disorder. Also called: MYO6-related disorders; MYO6-related condition.

Allele frequency attached by ClinVar (database versions not stated): gnomAD exomes below 0.00001.
gnomAD v4.1: 1 of 1,613,482 alleles (0.000062%); highest among the groups gnomAD compares: Non-Finnish European, 0.000085%; no homozygotes.

Submission:

Women's Health and Genetics/Laboratory Corporation of America, LabCorp
Classification: Likely pathogenic for MYO6-Related Disorders. Last evaluated: 2023-10-19. Review status: criteria provided, single submitter. Criteria: LabCorp Variant Classification Summary - May 2015. Collection method: clinical testing. Allele origin: germline.
Comment: Variant summary: MYO6 c.2416+1G>A is located in a canonical splice-site and is predicted to affect mRNA splicing resulting in a significantly altered protein due to either exon skipping, shortening, or inclusion of intronic material. Several computational tools predict a significant impact on normal splicing: Four predict the variant abolishes the canonical 5' splicing donor site. However, these predictions have yet to be confirmed by functional studies. The variant was absent in 251474 control chromosomes (gnomAD). To our knowledge, no occurrence of c.2416+1G>A in individuals affected with MYO6-Related Disorders and no experimental evidence demonstrating its impact on protein function have been reported. No submitters have cited clinical-significance assessments for this variant to ClinVar after 2014. Based on the evidence outlined above, the variant was classified as likely pathogenic.

NM_004999.4(MYO6):c.2416+1G>A

Gene: MYO6 (myosin VI; plus strand). Cytogenetic location: 6q14.1.
Variant type: single nucleotide variant.
Coding change: c.2416+1G>A on transcript NM_004999.4 (MANE Select); the canonical splice donor site of the intron after coding-DNA position 2416, G replaced by A.
Molecular consequence: splice donor variant.
Genome position (GRCh38, 1-based): chr6:75,881,819, G>A. VCF-style: chr6-75881819-G-A. GRCh37 (hg19) VCF-style: chr6-76591536-G-A.
Other names: c.2416+1G>A (NM_001368865.1, NM_001368866.1, NM_001368137.1 and 2 more transcripts); c.2401+1G>A (NM_001368138.1).
Identifiers: ClinVar variation 2637820 (VCV002637820.1), dbSNP rs1778054006, ClinGen allele CA364774576.